The following is an entry in ClinVar:

ClinVar aggregate classification (germline): Uncertain significance. Review status: criteria provided, multiple submitters, no conflicts (2 of 4 stars). 2 submissions from 2 submitters: Uncertain significance (2). Last evaluated 2023-07-30.

Conditions:
Brachyolmia-amelogenesis imperfecta syndrome. Also called: PLATYSPONDYLY WITH AMELOGENESIS IMPERFECTA; Tooth agenesis, selective, 6; Dental anomalies and short stature. Identifiers: Orphanet 2899, MedGen C1832594, MONDO:0011018, OMIM 601216. Disease mechanism: loss of function.
Inborn genetic diseases. Identifiers: MedGen C0950123, MeSH D030342.

Allele frequency attached by ClinVar (database versions not stated): gnomAD 0.00001.

Submissions (2):

Labcorp Genetics (formerly Invitae), Labcorp
Classification: Uncertain significance for Brachyolmia-amelogenesis imperfecta syndrome. Last evaluated: 2023-07-30. Review status: criteria provided, single submitter. Criteria: Invitae Variant Classification Sherloc (09022015). Collection method: clinical testing. Allele origin: germline.
Comment: In summary, the available evidence is currently insufficient to determine the role of this variant in disease. Therefore, it has been classified as a Variant of Uncertain Significance. An algorithm developed to predict the effect of missense changes on protein structure and function (PolyPhen-2) suggests that this variant is likely to be tolerated. ClinVar contains an entry for this variant (Variation ID: 2562647). This variant has not been reported in the literature in individuals affected with LTBP3-related conditions. This variant is not present in population databases (gnomAD no frequency). This sequence change replaces valine, which is neutral and non-polar, with alanine, which is neutral and non-polar, at codon 1098 of the LTBP3 protein (p.Val1098Ala).

Ambry Genetics
Classification: Uncertain significance for Inborn genetic diseases. Last evaluated: 2023-03-23. Review status: criteria provided, single submitter. Criteria: Ambry Variant Classification Scheme 2023. Collection method: clinical testing. Allele origin: germline.
Comment: The p.V1098A variant (also known as c.3293T>C), located in coding exon 24 of the LTBP3 gene, results from a T to C substitution at nucleotide position 3293. The valine at codon 1098 is replaced by alanine, an amino acid with similar properties. This amino acid position is conserved. In addition, the in silico prediction for this alteration is inconclusive. Since supporting evidence is limited at this time, the clinical significance of this alteration remains unclear.

NM_001130144.3(LTBP3):c.3293T>C (p.Val1098Ala)

Gene: LTBP3 (latent transforming growth factor beta binding protein 3; minus strand). Cytogenetic location: 11q13.1.
Variant type: single nucleotide variant.
Coding change: c.3293T>C on transcript NM_001130144.3 (MANE Select); coding-DNA position 3293, T replaced by C.
Protein change: p.Val1098Ala; replaces valine 1098 with alanine.
Molecular consequence: missense variant. On other transcripts: intron variant (2).
Genome position (GRCh38, 1-based): chr11:65,540,105, A>G on the plus strand (T>C on the coding strand, the complement: LTBP3 is on the minus strand). VCF-style: chr11-65540105-A-G. GRCh37 (hg19) VCF-style: chr11-65307576-A-G.
Other names: c.2893+140T>C (NM_001164266.1); c.3244+140T>C (NM_021070.4); short protein forms V1098A.
Identifiers: ClinVar variation 2562647 (VCV002562647.5), dbSNP rs1175295808, ClinGen allele CA381267205.